The following is an entry in ClinVar:

ClinVar aggregate classification (germline): Uncertain significance. Review status: criteria provided, multiple submitters, no conflicts (2 of 4 stars). 4 submissions from 4 submitters: Uncertain significance (4). Last evaluated 2025-05-21.

Conditions:
Refsum disease, classic. Also called: PHYH-Related Refsum Disease; HEREDOPATHIA ATACTICA POLYNEURITIFORMIS; HMSN IV; PHYTANIC ACID OXIDASE DEFICIENCY. Identifiers: Orphanet 773, MedGen C5780941, MONDO:1060256, OMIM 266500. Disease mechanism: loss of function.
Inborn genetic diseases. Identifiers: MedGen C0950123, MeSH D030342.

Allele frequency attached by ClinVar (database versions not stated): TOPMed 0.00004; gnomAD 0.00005 and 0.00006.
gnomAD v4.1: 15 of 1,614,008 alleles (0.00093%); highest among the groups gnomAD compares: Non-Finnish European, 0.0013%; no homozygotes.

Submissions (4):

Ambry Genetics
Classification: Uncertain significance for Inborn genetic diseases. Last evaluated: 2025-05-21. Review status: criteria provided, single submitter. Criteria: Ambry Variant Classification Scheme 2023. Collection method: clinical testing. Allele origin: germline.

Labcorp Genetics (formerly Invitae), Labcorp
Classification: Uncertain significance. Last evaluated: 2021-08-31. Review status: criteria provided, single submitter. Criteria: Invitae Variant Classification Sherloc (09022015). Collection method: clinical testing. Allele origin: germline.
Comment: This sequence change replaces isoleucine with methionine at codon 118 of the PHYH protein (p.Ile118Met). The isoleucine residue is weakly conserved and there is a small physicochemical difference between isoleucine and methionine. This variant is present in population databases (rs779724199, ExAC 0.001%). This variant has not been reported in the literature in individuals affected with PHYH-related conditions. ClinVar contains an entry for this variant (Variation ID: 429240). Algorithms developed to predict the effect of missense changes on protein structure and function are either unavailable or do not agree on the potential impact of this missense change (SIFT: "Deleterious"; PolyPhen-2: "Possibly Damaging"; Align-GVGD: "Class C0"). In summary, the available evidence is currently insufficient to determine the role of this variant in disease. Therefore, it has been classified as a Variant of Uncertain Significance.

Illumina Laboratory Services, Illumina
Classification: Uncertain significance for Refsum disease, classic. Last evaluated: 2018-01-13. Review status: criteria provided, single submitter. Criteria: ICSL Variant Classification Criteria 13 December 2019. Collection method: clinical testing. Allele origin: germline.

GeneDx
Classification: Uncertain significance. Last evaluated: 2017-02-06. Review status: criteria provided, single submitter. Criteria: GeneDx Variant Classification (06012015). Collection method: clinical testing. Allele origin: germline. Affected: yes.
Comment: The I118M variant in the PHYH gene has not been reported previously as a pathogenic variant, nor as a benign variant, to our knowledge. The I118M variant is not observed at a significant frequency in large population cohorts (Lek et al., 2016; 1000 Genomes Consortium et al., 2015; Exome Variant Server). The I118M variant is a conservative amino acid substitution, which is not likely to impact secondary protein structure as these residues share similar properties. This substitution occurs at a position where amino acids with similar properties to Isoleucine are tolerated across species. In silico analysis is inconsistent in its predictions as to whether or not the variant is damaging to the protein structure/function. We interpret I118M as a variant of uncertain significance.

NM_006214.4(PHYH):c.354C>G (p.Ile118Met)

Gene: PHYH (phytanoyl-CoA 2-hydroxylase; minus strand). Cytogenetic location: 10p13.
Variant type: single nucleotide variant.
Coding change: c.354C>G on transcript NM_006214.4 (MANE Select); coding-DNA position 354, C replaced by G.
Protein change: p.Ile118Met; replaces isoleucine 118 with methionine.
Molecular consequence: missense variant.
Genome position (GRCh38, 1-based): chr10:13,294,488, G>C on the plus strand (C>G on the coding strand, the complement: PHYH is on the minus strand). VCF-style: chr10-13294488-G-C. GRCh37 (hg19) VCF-style: chr10-13336488-G-C.
Other names: c.54C>G, p.Ile18Met (NM_001037537.2, NM_001323080.2, NM_001323084.2); c.354C>G, p.Ile118Met (NM_001323082.2, NM_001323083.2); short protein forms I118M, I18M.
Identifiers: ClinVar variation 429240 (VCV000429240.12), dbSNP rs779724199, ClinGen allele CA5412404.